The following is an entry in ClinVar:

NM_003000.3(SDHB):c.174_175delinsAT (p.Met58_Gln59delinsIleTer)

Gene: SDHB (succinate dehydrogenase complex iron sulfur subunit B; minus strand). Cytogenetic location: 1p36.13.
Variant type: Indel.
Coding change: c.174_175delinsAT on transcript NM_003000.3 (MANE Select); coding-DNA positions 174 to 175, GC replaced by AT.
Protein change: p.Met58_Gln59delinsIleTer.
Molecular consequence: nonsense.
Genome position (GRCh38, 1-based): chr1:17,044,786-17,044,787, GC replaced by AT on the plus strand (GC replaced by AT on the coding strand, the reverse complement: SDHB is on the minus strand). VCF-style: chr1-17044786-GC-AT. GRCh37 (hg19) VCF-style: chr1-17371281-GC-AT.
Other names: c.174_175delinsAT, p.Met58_Gln59delinsIleTer (NM_001407361.1).
Identifiers: ClinVar variation 5042268 (VCV005042268.1).

ClinVar aggregate classification (germline): Pathogenic (1 of 4 stars; one submission).

Conditions:
Pheochromocytoma/paraganglioma syndrome 4. Also called: SDHB-Related Hereditary Paraganglioma-Pheochromocytoma Syndrome (Paragangliomas 4); SDHB-Related Hereditary Paraganglioma-Pheochromocytoma Syndrome; CAROTID BODY TUMORS AND MULTIPLE EXTRAADRENAL PHEOCHROMOCYTOMAS; PARAGANGLIOMA, FAMILIAL MALIGNANT; PARAGANGLIOMAS, HEREDITARY EXTRAADRENAL; PHEOCHROMOCYTOMA, FAMILIAL EXTRAADRENAL. Identifiers: Orphanet 29072, MedGen C1861848, MONDO:0007273, OMIM 115310.

Submission:

Myriad Genetics, Inc.
Classification: Pathogenic for Pheochromocytoma/paraganglioma syndrome 4. Last evaluated: 2026-08-27. Review status: criteria provided, single submitter. Criteria: Myriad Autosomal Dominant, Autosomal Recessive and X-Linked Classification Criteria (2023). Collection method: clinical testing. Allele origin: unknown.
Comment: This variant is considered pathogenic. This variant creates a termination codon and is predicted to result in premature protein truncation.